The following is an entry in ClinVar:

NM_025243.4(SLC19A3):c.919G>C (p.Ala307Pro)

Gene: SLC19A3 (solute carrier family 19 member 3; minus strand). Cytogenetic location: 2q36.3.
Variant type: single nucleotide variant.
Coding change: c.919G>C on transcript NM_025243.4 (MANE Select); coding-DNA position 919, G replaced by C.
Protein change: p.Ala307Pro; replaces alanine 307 with proline.
Molecular consequence: missense variant.
Genome position (GRCh38, 1-based): chr2:227,698,796, C>G on the plus strand (G>C on the coding strand, the complement: SLC19A3 is on the minus strand). VCF-style: chr2-227698796-C-G. GRCh37 (hg19) VCF-style: chr2-228563512-C-G.
Other names: c.919G>C, p.Ala307Pro (NM_001371411.1, NM_001371412.1); c.907G>C, p.Ala303Pro (NM_001371413.1, NM_001371414.1); c.919G>C (NM_025243.3); short protein forms A303P, A307P.
Identifiers: ClinVar variation 2142255 (VCV002142255.2), dbSNP rs377204541, ClinGen allele CA2149214.

ClinVar aggregate classification (germline): Uncertain significance. Review status: criteria provided, multiple submitters, no conflicts (2 of 4 stars). 2 submissions from 2 submitters: Uncertain significance (2). Last evaluated 2025-05-27.

Conditions:
Inborn genetic diseases. Identifiers: MedGen C0950123, MeSH D030342.
Biotin-responsive basal ganglia disease (BTBGD). Also called: Thiamine metabolism dysfunction syndrome type 2; THIAMINE METABOLISM DYSFUNCTION SYNDROME 2 (BIOTIN- AND THIAMINE-RESPONSIVE TYPE); Thiamine metabolism dysfunction syndrome 2 (biotin- or thiamine-responsive encephalopathy type 2); thiamine-responsive encephalopathy; Thiamine Transporter-2 Deficiency. Identifiers: Orphanet 199348, Orphanet 65284, MedGen C1843807, MONDO:0011841, OMIM 607483.

Allele frequency attached by ClinVar (database versions not stated): ExAC 0.00001; gnomAD 0.00001; TOPMed 0.00002; ESP Exome Variant Server 0.00008.
gnomAD v4.1: 20 of 1,614,056 alleles (0.0012%); highest among the groups gnomAD compares: Non-Finnish European, 0.0017%; no homozygotes.

Submissions (2):

Ambry Genetics
Classification: Uncertain significance for Inborn genetic diseases. Last evaluated: 2025-05-27. Review status: criteria provided, single submitter. Criteria: Ambry Variant Classification Scheme 2023. Collection method: clinical testing. Allele origin: germline.

Labcorp Genetics (formerly Invitae), Labcorp
Classification: Uncertain significance for Biotin-responsive basal ganglia disease. Last evaluated: 2022-02-20. Review status: criteria provided, single submitter. Criteria: Invitae Variant Classification Sherloc (09022015). Collection method: clinical testing. Allele origin: germline.
Comment: This sequence change replaces alanine, which is neutral and non-polar, with proline, which is neutral and non-polar, at codon 307 of the SLC19A3 protein (p.Ala307Pro). This variant is present in population databases (rs377204541, gnomAD 0.002%). This variant has not been reported in the literature in individuals affected with SLC19A3-related conditions. Advanced modeling of protein sequence and biophysical properties (such as structural, functional, and spatial information, amino acid conservation, physicochemical variation, residue mobility, and thermodynamic stability) performed at Invitae indicates that this missense variant is not expected to disrupt SLC19A3 protein function. In summary, the available evidence is currently insufficient to determine the role of this variant in disease. Therefore, it has been classified as a Variant of Uncertain Significance.

Literature cited by the submitters: PubMed 28402605 (cited by Ambry Genetics).